The following is an entry in ClinVar:

ClinVar aggregate classification (germline): Uncertain significance (1 of 4 stars; one submission).

Conditions:
Familial meningioma. Also called: Meningioma, familial, susceptibility to. Identifiers: Orphanet 263662, MedGen C3551915, MONDO:0011789, OMIM 607174.

Submission:

Labcorp Genetics (formerly Invitae), Labcorp
Classification: Uncertain significance for Familial meningioma. Last evaluated: 2021-06-15. Review status: criteria provided, single submitter. Criteria: Invitae Variant Classification Sherloc (09022015). Collection method: clinical testing. Allele origin: germline.
Comment: This sequence change replaces alanine with threonine at codon 192 of the SMARCE1 protein (p.Ala192Thr). The alanine residue is highly conserved and there is a small physicochemical difference between alanine and threonine. This variant is not present in population databases (ExAC no frequency). This variant has not been reported in the literature in individuals with SMARCE1-related conditions. In summary, the available evidence is currently insufficient to determine the role of this variant in disease. Therefore, it has been classified as a Variant of Uncertain Significance. Algorithms developed to predict the effect of missense changes on protein structure and function are either unavailable or do not agree on the potential impact of this missense change (SIFT: "Deleterious"; PolyPhen-2: "Possibly Damaging"; Align-GVGD: "Class C0").

NM_003079.5(SMARCE1):c.574G>A (p.Ala192Thr)

Gene: SMARCE1 (SWI/SNF related BAF chromatin remodeling complex subunit E1; minus strand). Cytogenetic location: 17q21.2.
Variant type: single nucleotide variant.
Coding change: c.574G>A on transcript NM_003079.5 (MANE Select); coding-DNA position 574, G replaced by A.
Protein change: p.Ala192Thr; replaces alanine 192 with threonine.
Molecular consequence: missense variant.
Genome position (GRCh38, 1-based): chr17:40,632,335, C>T on the plus strand (G>A on the coding strand, the complement: SMARCE1 is on the minus strand). VCF-style: chr17-40632335-C-T. GRCh37 (hg19) VCF-style: chr17-38788587-C-T.
Other names: short protein forms A192T.
Identifiers: ClinVar variation 1483813 (VCV001483813.8), dbSNP rs2143988542, ClinGen allele CA399364841.